The following is an entry in ClinVar:

NM_020919.4(ALS2):c.1816-10G>T

Gene: ALS2 (alsin Rho guanine nucleotide exchange factor ALS2; minus strand). Cytogenetic location: 2q33.1.
Variant type: single nucleotide variant.
Coding change: c.1816-10G>T on transcript NM_020919.4 (MANE Select); 10 bases into the intron before coding-DNA position 1816, G replaced by T.
Molecular consequence: intron variant.
Genome position (GRCh38, 1-based): chr2:201,746,758, C>A on the plus strand (G>T on the coding strand, the complement: ALS2 is on the minus strand). VCF-style: chr2-201746758-C-A. GRCh37 (hg19) VCF-style: chr2-202611481-C-A.
Other names: p.?.
Identifiers: ClinVar variation 1168058 (VCV001168058.14), dbSNP rs191447972, ClinGen allele CA2058340.

ClinVar aggregate classification (germline): Benign/Likely benign. Review status: criteria provided, multiple submitters, no conflicts (2 of 4 stars). 5 submissions from 5 submitters: Benign (2); Likely benign (3). Last evaluated 2026-01-06.

Conditions:
ALS2-related disorder. Also called: ALS2-related disorders; ALS2-related condition; ALS2-Related Spectrum Disorders. Identifiers: MedGen CN169291.
Infantile-onset ascending hereditary spastic paralysis (IAHSP). Also called: Infantile-Onset Ascending Hereditary Spastic Paralysis (IAHSP); Autosomal Recessive Juvenile Amyotrophic Lateral Sclerosis. Identifiers: Orphanet 293168, MedGen C2931441, MONDO:0011797, OMIM 607225. Disease mechanism: loss of function.

Allele frequency attached by ClinVar (database versions not stated): ExAC 0.00028; 1000 Genomes Project 0.00060; 1000 Genomes Project 30x 0.00062; ESP Exome Variant Server 0.00141.
gnomAD v4.1: 229 of 1,613,990 alleles (0.014%); highest among the groups gnomAD compares: African/African-American, 0.29%; no homozygotes.

Submissions (5):

Labcorp Genetics (formerly Invitae), Labcorp
Classification: Benign for Infantile-onset ascending hereditary spastic paralysis. Last evaluated: 2026-01-06. Review status: criteria provided, single submitter. Criteria: Invitae Variant Classification Sherloc (09022015). Collection method: clinical testing. Allele origin: germline.

Mayo Clinic Laboratories, Mayo Clinic
Classification: Likely benign. Last evaluated: 2025-12-05. Review status: criteria provided, single submitter. Criteria: ACMG Guidelines, 2015. Collection method: clinical testing. Allele origin: germline. Observed: 5 variant alleles.
Comment: BS1, BP4, BP7

PreventionGenetics, part of Exact Sciences
Classification: Likely benign for ALS2-related condition. Last evaluated: 2024-12-17. Review status: criteria provided, single submitter. Criteria: ACMG Guidelines, 2015. Collection method: clinical testing. Allele origin: germline.
Comment: This variant is classified as likely benign based on ACMG/AMP sequence variant interpretation guidelines (Richards et al. 2015 PMID: 25741868, with internal and published modifications).

Athena Diagnostics
Classification: Benign. Last evaluated: 2020-12-31. Review status: criteria provided, single submitter. Criteria: Athena Diagnostics criteria. Collection method: clinical testing. Allele origin: unknown.

GeneDx
Classification: Likely benign. Last evaluated: 2020-06-08. Review status: criteria provided, single submitter. Criteria: GeneDx Variant Classification Process June 2021. Collection method: clinical testing. Allele origin: germline. Affected: yes.